The following is an entry in ClinVar:

ClinVar aggregate classification (germline): Uncertain significance (1 of 4 stars; one submission).

Submission:

GeneDx
Classification: Uncertain significance. Last evaluated: 2026-04-23. Review status: criteria provided, single submitter. Criteria: GeneDx Variant Classification Process June 2021. Collection method: clinical testing. Allele origin: germline.
Comment: Not observed at significant frequency in large population cohorts (gnomAD); In silico analysis supports that this missense variant has a deleterious effect on protein structure/function; Has not been previously published as pathogenic or benign to our knowledge

NM_004990.4(MARS1):c.1130G>A (p.Gly377Asp)

Gene: MARS1 (methionyl-tRNA synthetase 1; plus strand). Cytogenetic location: 12q13.3.
Variant type: single nucleotide variant.
Coding change: c.1130G>A on transcript NM_004990.4 (MANE Select); coding-DNA position 1130, G replaced by A.
Protein change: p.Gly377Asp; replaces glycine 377 with aspartic acid.
Molecular consequence: missense variant.
Genome position (GRCh38, 1-based): chr12:57,500,359, G>A. VCF-style: chr12-57500359-G-A. GRCh37 (hg19) VCF-style: chr12-57894142-G-A.
Other names: short protein forms G377D.
Identifiers: ClinVar variation 5037594 (VCV005037594.1).
Genomic context (GRCh38, chr12:57,500,359, plus strand): 5'-GATCCCTGGCCCACCTCACCAGAATCACCCAGGACATTTTCCAGCAGTTGCTGAAACGAG[G>A]TTTTGTGCTGCAAGATACTGTGGAGCAACTGCGATGTGAGCACTGTGCTCGCTTCCTGGC-3'
Protein context (NP_004981.2, residues 367-387): QDIFQQLLKR[Gly377Asp]FVLQDTVEQL